The following is an entry in ClinVar:

ClinVar aggregate classification (germline): Uncertain significance. Review status: criteria provided, multiple submitters, no conflicts (2 of 4 stars). 3 submissions from 3 submitters: Uncertain significance (3). Last evaluated 2026-07-27.

Conditions:
Cardiovascular phenotype. Identifiers: MedGen CN230736.
Primary dilated cardiomyopathy (DCM). Also called: Dilated Cardiomyopathy. Identifiers: Orphanet 217604, MedGen C0007193, MeSH D002311, MONDO:0005021, HP:0001644. Inheritance: Various modes of inheritance.

Allele frequency attached by ClinVar (database versions not stated): gnomAD exomes 0.00004 and 0.00002; gnomAD 0.00004; TOPMed 0.00008.
gnomAD v4.1: 33 of 1,514,800 alleles (0.0022%); highest among the groups gnomAD compares: Admixed American, 0.032%; no homozygotes.

Submissions (3):

GeneDx
Classification: Uncertain significance. Last evaluated: 2026-07-27. Review status: criteria provided, single submitter. Criteria: GeneDx Variant Classification Process June 2021. Collection method: clinical testing. Allele origin: germline.
Comment: Has not been previously published as pathogenic or benign to our knowledge; In silico analysis suggests that this missense variant does not alter protein structure/function; Variants in candidate genes are classified as variants of uncertain significance in accordance with ACMG guidelines (PMID: 25741868)

Labcorp Genetics (formerly Invitae), Labcorp
Classification: Uncertain significance for Primary dilated cardiomyopathy. Last evaluated: 2025-10-06. Review status: criteria provided, single submitter. Criteria: Invitae Variant Classification Sherloc (09022015). Collection method: clinical testing. Allele origin: germline.
Comment: This sequence change replaces arginine, which is basic and polar, with cysteine, which is neutral and slightly polar, at codon 14 of the TXNRD2 protein (p.Arg14Cys). The frequency data for this variant in the population databases is considered unreliable, as metrics indicate poor data quality at this position in the gnomAD database. This variant has not been reported in the literature in individuals affected with TXNRD2-related conditions. ClinVar contains an entry for this variant (Variation ID: 451583). An algorithm developed to predict the effect of missense changes on protein structure and function (PolyPhen-2) suggests that this variant is likely to be disruptive. In summary, the available evidence is currently insufficient to determine the role of this variant in disease. Therefore, it has been classified as a Variant of Uncertain Significance.

Ambry Genetics
Classification: Uncertain significance for Cardiovascular phenotype. Last evaluated: 2025-03-25. Review status: criteria provided, single submitter. Criteria: Ambry Variant Classification Scheme 2023. Collection method: clinical testing. Allele origin: germline.
Comment: The p.R14C variant (also known as c.40C>T), located in coding exon 1 of the TXNRD2 gene, results from a C to T substitution at nucleotide position 40. The arginine at codon 14 is replaced by cysteine, an amino acid with highly dissimilar properties. This amino acid position is conserved. In addition, this alteration is predicted to be tolerated by in silico analysis. Since supporting evidence is limited at this time, the clinical significance of this alteration remains unclear.

NM_006440.5(TXNRD2):c.40C>T (p.Arg14Cys)

Gene: TXNRD2 (thioredoxin reductase 2; minus strand). Cytogenetic location: 22q11.21.
Variant type: single nucleotide variant.
Coding change: c.40C>T on transcript NM_006440.5 (MANE Select); coding-DNA position 40, C replaced by T.
Protein change: p.Arg14Cys; replaces arginine 14 with cysteine.
Molecular consequence: missense variant. On other transcripts: non-coding transcript variant (1).
Genome position (GRCh38, 1-based): chr22:19,941,764, G>A on the plus strand (C>T on the coding strand, the complement: TXNRD2 is on the minus strand). VCF-style: chr22-19941764-G-A. GRCh37 (hg19) VCF-style: chr22-19929287-G-A.
Other names: c.40C>T, p.Arg14Cys (NM_001282512.3, NM_001352300.2); short protein forms R14C.
Identifiers: ClinVar variation 451583 (VCV000451583.17), dbSNP rs1259706318, ClinGen allele CA410700110.